The following is an entry in ClinVar:

NM_001142800.2(EYS):c.-90_-85del

Gene: EYS (eyes shut homolog; minus strand). Cytogenetic location: 6q12.
Variant type: Deletion.
Coding change: c.-90_-85del on transcript NM_001142800.2 (MANE Select); 90 bases upstream of the start codon through 85 bases upstream of the start codon, 6 bases deleted (CACAAC; older notation c.-90_-85delCACAAC).
Molecular consequence: 5 prime UTR variant.
Genome position (GRCh38, 1-based): chr6:65,495,495-65,495,500, GTTGTG deleted on the plus strand (CACAAC on the coding strand, the reverse complement: EYS is on the minus strand); deleting any 6 consecutive bases within chr6:65,495,495-65,495,503 gives the same sequence; the c. name uses the placement nearest the transcript's 3' end. VCF-style (leftmost placement, unchanged base first): chr6-65495494-AGTTGTG-A. GRCh37 (hg19) VCF-style: chr6-66205387-AGTTGTG-A.
Other names: c.-90_-85del (NM_001142801.2, NM_001292009.2, NM_198283.2).
Identifiers: ClinVar variation 1931141 (VCV001931141.2), dbSNP rs951921760, ClinGen allele CA140435003.

ClinVar aggregate classification (germline): Uncertain significance (1 of 4 stars; one submission).

Submission:

Labcorp Genetics (formerly Invitae), Labcorp
Classification: Uncertain significance. Last evaluated: 2022-03-28. Review status: criteria provided, single submitter. Criteria: Invitae Variant Classification Sherloc (09022015). Collection method: clinical testing. Allele origin: germline.
Comment: This variant occurs in a non-coding region of the EYS gene. It does not change the encoded amino acid sequence of the EYS protein. This variant is present in population databases (no rsID available, gnomAD 0.01%). This variant has not been reported in the literature in individuals affected with EYS-related conditions. Experimental studies and prediction algorithms are not available or were not evaluated, and the functional significance of this variant is currently unknown. In summary, the available evidence is currently insufficient to determine the role of this variant in disease. Therefore, it has been classified as a Variant of Uncertain Significance.